The following is an entry in ClinVar:

ClinVar aggregate classification (germline): Uncertain significance. Review status: criteria provided, multiple submitters, no conflicts (2 of 4 stars). 2 submissions from 2 submitters: Uncertain significance (2). Last evaluated 2025-01-15.

Conditions:
Hereditary cancer-predisposing syndrome. Also called: Neoplastic Syndromes, Hereditary; Tumor predisposition; Hereditary Cancer Syndrome; Hereditary neoplastic syndrome. Identifiers: Orphanet 140162, MedGen C0027672, MeSH D009386, MONDO:0015356.
Hereditary breast ovarian cancer syndrome. Also called: Hereditary breast and ovarian cancer; Hereditary breast and/or ovarian cancer syndrome; BRCA1- and BRCA2-Associated Hereditary Breast and Ovarian Cancer; Hereditary breast and ovarian cancer syndrome (HBOC); Hereditary breast and ovarian cancer syndrome; Breast and ovarian cancer. Identifiers: Orphanet 145, MedGen C0677776, MeSH D061325, MONDO:0003582. Disease mechanism: loss of function.

Submissions (2):

Ambry Genetics
Classification: Uncertain significance for Hereditary cancer-predisposing syndrome. Last evaluated: 2025-01-15. Review status: criteria provided, single submitter. Criteria: Ambry Variant Classification Scheme 2023. Collection method: clinical testing. Allele origin: germline.
Comment: The p.V1479L variant (also known as c.4435G>C), located in coding exon 12 of the BRCA1 gene, results from a G to C substitution at nucleotide position 4435. The valine at codon 1479 is replaced by leucine, an amino acid with highly similar properties. This amino acid position is poorly conserved in available vertebrate species. In addition, this alteration is predicted to be tolerated by in silico analysis. Based on the available evidence, the clinical significance of this variant remains unclear.

Labcorp Genetics (formerly Invitae), Labcorp
Classification: Uncertain significance for Hereditary breast ovarian cancer syndrome. Last evaluated: 2023-02-23. Review status: criteria provided, single submitter. Criteria: Invitae Variant Classification Sherloc (09022015). Collection method: clinical testing. Allele origin: germline.
Comment: This sequence change replaces valine, which is neutral and non-polar, with leucine, which is neutral and non-polar, at codon 1479 of the BRCA1 protein (p.Val1479Leu). This variant is not present in population databases (gnomAD no frequency). This variant has not been reported in the literature in individuals affected with BRCA1-related conditions. ClinVar contains an entry for this variant (Variation ID: 187167). Advanced modeling of protein sequence and biophysical properties (such as structural, functional, and spatial information, amino acid conservation, physicochemical variation, residue mobility, and thermodynamic stability) performed at Invitae indicates that this missense variant is not expected to disrupt BRCA1 protein function. In summary, the available evidence is currently insufficient to determine the role of this variant in disease. Therefore, it has been classified as a Variant of Uncertain Significance.

NM_007294.4(BRCA1):c.4435G>C (p.Val1479Leu)

Gene: BRCA1 (BRCA1 DNA repair associated; minus strand). Cytogenetic location: 17q21.31.
Variant type: single nucleotide variant.
Coding change: c.4435G>C on transcript NM_007294.4 (MANE Select); coding-DNA position 4435, G replaced by C.
Protein change: p.Val1479Leu; replaces valine 1479 with leucine.
Molecular consequence: missense variant. On other transcripts: non-coding transcript variant (1).
Genome position (GRCh38, 1-based): chr17:43,076,537, C>G on the plus strand (G>C on the coding strand, the complement: BRCA1 is on the minus strand). VCF-style: chr17-43076537-C-G. GRCh37 (hg19) VCF-style: chr17-41228554-C-G.
Other names: c.4222G>C, p.Val1408Leu (NM_001407571.1, NM_001407894.1, NM_001407895.1 and 12 more transcripts); c.4501G>C, p.Val1501Leu (NM_001407581.1, NM_001407582.1); c.4498G>C, p.Val1500Leu (NM_001407583.1, NM_001407585.1, NM_001407587.1 and 1 more transcripts); c.4495G>C, p.Val1499Leu (NM_001407590.1, NM_001407591.1); c.4435G>C, p.Val1479Leu (NM_001407593.1, NM_001407594.1, NM_001407596.1 and 8 more transcripts); c.4432G>C, p.Val1478Leu (NM_001407610.1, NM_001407611.1, NM_001407612.1 and 17 more transcripts); c.1123G>C, p.Val375Leu (NM_001407982.1, NM_001407983.1, NM_001407984.1 and 13 more transcripts); c.1120G>C, p.Val374Leu (NM_001408392.1, NM_001408396.1, NM_001408397.1 and 8 more transcripts); and 68 more; short protein forms V1479L, V375L, V1432L, V1500L, V1368L, V1410L, V1412L, V1430L.
Identifiers: ClinVar variation 187167 (VCV000187167.10), dbSNP rs786203524, ClinGen allele CA002853.